The following is an entry in ClinVar:

NM_001256715.2(DNAAF3):c.433G>A (p.Asp145Asn)

Genes: DNAAF3 (dynein axonemal assembly factor 3; minus strand), DNAAF3-AS1 (DNAAF3 antisense RNA 1; plus strand). Cytogenetic location: 19q13.42.
Variant type: single nucleotide variant.
Coding change: c.433G>A on transcript NM_001256715.2 (MANE Select); coding-DNA position 433, G replaced by A.
Protein change: p.Asp145Asn; replaces aspartic acid 145 with asparagine.
Molecular consequence: missense variant.
Genome position (GRCh38, 1-based): chr19:55,162,180, C>T on the plus strand (G>A on the coding strand, the complement: DNAAF3 is on the minus strand). VCF-style: chr19-55162180-C-T. GRCh37 (hg19) VCF-style: chr19-55673548-C-T.
Other names: c.637G>A, p.Asp213Asn (NM_001256714.1); c.271G>A, p.Asp91Asn (NM_001256716.2); c.574G>A, p.Asp192Asn (NM_178837.4); short protein forms D192N, D213N, D145N, D91N.
Identifiers: ClinVar variation 646652 (VCV000646652.3), dbSNP rs1442451142, ClinGen allele CA407457738.

ClinVar aggregate classification (germline): Uncertain significance. Review status: criteria provided, multiple submitters, no conflicts (2 of 4 stars). 2 submissions from 2 submitters: Uncertain significance (2). Last evaluated 2025-07-28.

Conditions:
Primary ciliary dyskinesia. Also called: Ciliary dyskinesia. Identifiers: Orphanet 244, MedGen C0008780, MONDO:0016575, HP:0012265.

Allele frequency attached by ClinVar (database versions not stated): gnomAD exomes 0.00003; gnomAD 0.00004 and 0.00003; TOPMed 0.00001.

Submissions (2):

Ambry Genetics
Classification: Uncertain significance for Primary ciliary dyskinesia. Last evaluated: 2025-07-28. Review status: criteria provided, single submitter. Criteria: Ambry Variant Classification Scheme 2023. Collection method: clinical testing. Allele origin: germline.
Comment: The p.D213N variant (also known as c.637G>A), located in coding exon 5 of the DNAAF3 gene, results from a G to A substitution at nucleotide position 637. The aspartic acid at codon 213 is replaced by asparagine, an amino acid with highly similar properties. This amino acid position is conserved. In addition, this alteration is predicted to be tolerated by in silico analysis. Based on the available evidence, the clinical significance of this variant remains unclear.

Labcorp Genetics (formerly Invitae), Labcorp
Classification: Uncertain significance for Primary ciliary dyskinesia. Last evaluated: 2019-01-02. Review status: criteria provided, single submitter. Criteria: Invitae Variant Classification Sherloc (09022015). Collection method: clinical testing. Allele origin: germline.
Comment: This sequence change replaces aspartic acid with asparagine at codon 213 of the DNAAF3 protein (p.Asp213Asn). The aspartic acid residue is moderately conserved and there is a small physicochemical difference between aspartic acid and asparagine. The frequency data for this variant in the population databases is considered unreliable, as metrics indicate insufficient coverage at this position in the ExAC database. This variant has not been reported in the literature in individuals with DNAAF3-related conditions. Algorithms developed to predict the effect of missense changes on protein structure and function are either unavailable or do not agree on the potential impact of this missense change (SIFT: "Deleterious"; PolyPhen-2: "Possibly Damaging"; Align-GVGD: "Class C0"). In summary, the available evidence is currently insufficient to determine the role of this variant in disease. Therefore, it has been classified as a Variant of Uncertain Significance.